The following continues an entry in ClinVar:

NM_000053.4(ATP7B):c.2731-2A>G

Gene: ATP7B. ClinVar aggregate classification (germline): Pathogenic/Likely pathogenic. Pathogenic (16); Likely pathogenic (2).

Submissions 11 to 20 of 20:

GeneDx
Classification: Pathogenic. Last evaluated: 2022-01-19. Review status: criteria provided, single submitter. Criteria: GeneDx Variant Classification Process June 2021. Collection method: clinical testing. Allele origin: germline. Affected: yes.
Comment: Identified in association with Wilson disease (Bost et al., 2012; Shah et al., 1997; Mukherjee et al., 2014); Canonical splice site variant expected to result in aberrant splicing, with functional studies involving cDNA analysis demonstrating skipping of exon 12 (Shah et al., 1997); Not observed at significant frequency in large population cohorts (gnomAD); This variant is associated with the following publications: (PMID: 23518715, 22677543, 9311736, 24094725)

Blueprint Genetics
Classification: Pathogenic for ATP7B-related disorders. Last evaluated: 2021-12-21. Review status: criteria provided, single submitter. Criteria: ACMG Guidelines, 2015. Collection method: clinical testing. Allele origin: germline. Affected: yes. Observed: 2 variant alleles.

Laboratory for Molecular Medicine, Mass General Brigham Personalized Medicine
Classification: Likely pathogenic for Wilson disease. Last evaluated: 2021-08-13. Review status: criteria provided, single submitter. Criteria: ACMG Guidelines, 2015. Collection method: clinical testing. Allele origin: germline.
Comment: The c.2731-2A>G variant in ATP7B has been previously reported in individuals with Wilson disease, including at least 3 compound heterozygotes (Bost 2012 PMID: 22677543, Coffey 2013 PMID: 23518715, Mukherjee 2014 PMID: 24094725, Shah 1997 PMID: 9311736). In addition, RT-PCR analysis performed on lymphoblast culture from patients harboring the variant revealed an in-frame 39-bp insertion derived from a cryptic splice site (Shah 1997 PMID: 9311736). This variant has also been identified in 3/35320 Latino chromosomes by gnomAD. In summary, this variant meets criteria to be classified as pathogenic for autosomal recessive Wilson disease. ACMG/AMP criteria applied: PVS1_Strong, PM3_Strong, PM2_Supporting, PP4.

Genome-Nilou Lab
Classification: Pathogenic for Wilson disease. Last evaluated: 2021-08-10. Review status: criteria provided, single submitter. Criteria: ACMG Guidelines, 2015. Collection method: clinical testing. Allele origin: germline. Affected: no.

Fulgent Genetics
Classification: Pathogenic for Wilson disease. Last evaluated: 2021-06-30. Review status: criteria provided, single submitter. Criteria: ACMG Guidelines, 2015. Collection method: clinical testing. Allele origin: unknown.
Comment: This variant has been detected in individual(s) who were sent for testing of Renasight - kidney gene panel.

Laboratory for Population and Evolutionary Genetics, University of Puerto Rico at Mayaguez
Classification: Pathogenic for Wilson disease. Last evaluated: 2019-02-22. Review status: criteria provided, single submitter. Criteria: ACMG Guidelines, 2015. Collection method: research. Allele origin: germline. Inheritance: Autosomal recessive inheritance. Affected: yes. Observed: 4 variant alleles, 4 homozygotes. Clinical features observed: Cirrhosis of liver (HP:0001394), Decreased circulating ceruloplasmin concentration (HP:0010837), Liver failure (HP:0001399), Hemolytic anemia (HP:0001878), Increased total leukocyte count (HP:0001974), High nonceruloplasmin-bound serum copper (HP:0010838).
Comment: dbSNP:rs367956522 in ATP7B has been reported segregating with Wilson's Disease in the UK with compound heterozygous in 3 cases (Coffey et al. 2013, PMID 23518715), and in the USA in both homozygous and compound heterozygous forms (Shah et al. 1997, PMID 9311736). In our unpublished study, all 4 individuals diagnosed with Wilson's Disease in southwestern Puerto Rico were homozygous for the minor allele. By contrast, none of the 214 healthy individuals tested were homozygous, In summary, dbSNP:rs367956522 is classified as pathogenic/likely pathogenic but meets our criteria to be classified as pathogenic.

Ambry Genetics
Classification: Pathogenic for Inborn genetic diseases. Last evaluated: 2017-05-17. Review status: criteria provided, single submitter. Criteria: Ambry Variant Classification Scheme 2023. Collection method: clinical testing. Allele origin: germline.
Comment: The c.2731-2A>G intronic pathogenic mutation results from an A to G substitution two nucleotides upstream from coding exon 12 in the ATP7B gene. Functional studies showed that this mutation leads to abnormal splicing (Shah AB et al. Am. J. Hum. Genet., 1997 Aug;61:317-28). Based on the supporting evidence, this alteration is interpreted as a disease-causing mutation.

Women's Health and Genetics/Laboratory Corporation of America, LabCorp
Classification: Pathogenic for Wilson disease. Last evaluated: 2016-07-19. Review status: criteria provided, single submitter. Criteria: LabCorp Variant Classification Summary - May 2015. Collection method: clinical testing. Allele origin: germline.
Comment: Variant summary: The ATP7B c.2731-2A>G variant located at a conserved intronic position, known to affect splicing with 5/5 splice prediction tools predicting a significant effect on splicing, which has been functionally supported (Shah_1997). This mutation produces 13 additional amino acids (VVISHGLGVLFSW) in the region between the transduction motif and the fifth Tm region. The variant of interest was observed in the large, broad control population, ExAC, with an allele frequency of 2/119818 (1/59909), which does not exceed the estimated maximal expected allele frequency for a pathogenic ATP7B variant of 1/185. Multiple publications cite the variant in affected individuals including a homozygous individual, along with a reputable clinical laboratory citing the variant as "likely pathogenic." Therefore, the variant of interest has been classified as Pathogenic.

PreventionGenetics, part of Exact Sciences
Classification: Pathogenic for ATP7B-related condition. Last evaluated: 2024-02-05. Review status: no assertion criteria provided. Collection method: clinical testing. Allele origin: germline. Not counted in ClinVar's aggregate classification.
Comment: The ATP7B c.2731-2A>G variant is predicted to disrupt the AG splice acceptor site and interfere with normal splicing. This variant has been reported in individuals with Wilson disease (Table 2, Shah et al. 1997. PubMed ID: 9311736; Table 1, Bost et al. 2012. PubMed ID: 22677543; Table 1, Mukherjee et al. 2013. PubMed ID: 24094725; pedigree 1, Coffey et al. 2013. PubMed ID: 23518715). RT-PCR from patient lymphoblast cells revealed this variant abolishes the exon 12 splice site and results in an in-frame inclusion of thirteen additional amino acids (Figure 1, Shah et al. 1997. PubMed ID: 9311736). This variant is reported in 0.0085% of alleles in individuals of Latino descent in gnomAD and has an interpretation of pathogenic and likely pathogenic in the ClinVar database. Variants that disrupt the consensus splice acceptor site in ATP7B are expected to be pathogenic. This variant is interpreted as pathogenic.

Counsyl
Classification: Likely pathogenic for Wilson's disease. Last evaluated: 2014-03-20. Review status: no assertion criteria provided. Collection method: literature only. Allele origin: unknown. Inheritance: Autosomal recessive inheritance. Not counted in ClinVar's aggregate classification.

Literature cited by the submitters: PubMed 9311736 (cited by 9 submitters); PubMed 23518715 (cited by 9 submitters); PubMed 22677543 (cited by 6 submitters); PubMed 24094725 (cited by 7 submitters); PubMed 19371217 (cited by Women's Health and Genetics/Laboratory Corporation of America, LabCorp).